The following is an entry in ClinVar:

NC_000017.11:g.(?_43049121)_(43051117_?)del

Gene: BRCA1 (BRCA1 DNA repair associated; minus strand). Cytogenetic location: 17q21.31.
Variant type: Deletion.
Identifiers: ClinVar variation 417599 (VCV000417599.1).

ClinVar aggregate classification (germline): Pathogenic (1 of 4 stars; one submission).

Conditions:
Hereditary breast ovarian cancer syndrome. Also called: Breast and ovarian cancer; Hereditary breast and ovarian cancer; Hereditary breast and/or ovarian cancer syndrome; BRCA1- and BRCA2-Associated Hereditary Breast and Ovarian Cancer; Hereditary breast and ovarian cancer syndrome (HBOC); Hereditary breast and ovarian cancer syndrome. Identifiers: Orphanet 145, MedGen C0677776, MeSH D061325, MONDO:0003582. Disease mechanism: loss of function.

Submission:

Labcorp Genetics (formerly Invitae), Labcorp
Classification: Pathogenic for Hereditary breast ovarian cancer syndrome. Last evaluated: 2016-11-08. Review status: criteria provided, single submitter. Criteria: Invitae Variant Classification Sherloc (09022015). Collection method: clinical testing. Allele origin: germline.
Comment: This variant is a gross deletion of the genomic region encompassing exons 20-21 of the BRCA1 gene. This leads to an in-frame deletion, preserving the integrity of the reading frame. Deletions of exons 20-21 have been reported in individuals with breast and ovarian cancer (PMID: 21203900, 25066507, 25066186, 17561994). Deletion of exons 20-21 is also known as deletion of exons 21-22 by alternative exon numbering in the literature. This in-frame deletion is expected to remove 43 amino acids (Ile1760_Thr1802del) of the C-terminal BRCT domain, which is important for the tumor suppressor function of the BRCA1 protein (PMID: 20516115, 22843421). Several missense variants determined to be pathogenic are located within the deleted residues (Invitae database), suggesting that this in-frame deletion is critical for BRCA1 protein function. For these reasons, this variant has been classified as Pathogenic.